The following is an entry in ClinVar:

ClinVar aggregate classification (germline): Uncertain significance (1 of 4 stars; one submission).

Conditions:
Intellectual developmental disorder, X-linked 19. Also called: Intellectual disability, X-linked 19. Identifiers: Orphanet 777, MedGen C0796225, MONDO:0010447, OMIM 300844.
Coffin-Lowry syndrome (CLS). Also called: COFFIN-LOWRY SYNDROME, MILD; Mental retardation with osteocartilaginous abnormalities. Identifiers: Orphanet 192, MedGen C0265252, MONDO:0010561, OMIM 303600.

Submission:

Labcorp Genetics (formerly Invitae), Labcorp
Classification: Uncertain significance for Coffin-Lowry syndrome; Intellectual developmental disorder, X-linked 19. Last evaluated: 2023-03-11. Review status: criteria provided, single submitter. Criteria: Invitae Variant Classification Sherloc (09022015). Collection method: clinical testing. Allele origin: germline.
Comment: An algorithm developed to predict the effect of missense changes on protein structure and function (PolyPhen-2) suggests that this variant is likely to be disruptive. ClinVar contains an entry for this variant (Variation ID: 1717414). This variant has not been reported in the literature in individuals affected with RPS6KA3-related conditions. This variant is not present in population databases (gnomAD no frequency). This sequence change replaces lysine, which is basic and polar, with asparagine, which is neutral and polar, at codon 282 of the RPS6KA3 protein (p.Lys282Asn). In summary, the available evidence is currently insufficient to determine the role of this variant in disease. Therefore, it has been classified as a Variant of Uncertain Significance.

NM_004586.3(RPS6KA3):c.846A>C (p.Lys282Asn)

Gene: RPS6KA3 (ribosomal protein S6 kinase A3; minus strand). Cytogenetic location: Xp22.12.
Variant type: single nucleotide variant.
Coding change: c.846A>C on transcript NM_004586.3 (MANE Select); coding-DNA position 846, A replaced by C.
Protein change: p.Lys282Asn; replaces lysine 282 with asparagine.
Molecular consequence: missense variant.
Genome position (GRCh38, 1-based): chrX:20,177,084, T>G on the plus strand (A>C on the coding strand, the complement: RPS6KA3 is on the minus strand). VCF-style: chrX-20177084-T-G. GRCh37 (hg19) VCF-style: chrX-20195202-T-G.
Other names: short protein forms K282N.
Identifiers: ClinVar variation 1717414 (VCV001717414.6), dbSNP rs2519687245, ClinGen allele CA412518429.
Genomic context (GRCh38, chrX:20,177,084, plus strand): 5'-AAGCATTCGTAAAAGACTCTGCGCTTCAGGACTCAAAAACTGTGGCATTCCAAGTTTGGC[T>G]CTAAATAATAAATCCACATAATATTTTATTTTTTGGAGGCATCTGTATTTTTATTTTTAA-3'
Protein context (NP_004577.1, residues 272-292): DRKETMTMIL[Lys282Asn]AKLGMPQFLS